The following is an entry in ClinVar:

NM_000393.5(COL5A2):c.3331C>T (p.Pro1111Ser)

Gene: COL5A2 (collagen type V alpha 2 chain; minus strand). Cytogenetic location: 2q32.2.
Variant type: single nucleotide variant.
Coding change: c.3331C>T on transcript NM_000393.5 (MANE Select); coding-DNA position 3331, C replaced by T.
Protein change: p.Pro1111Ser; replaces proline 1111 with serine.
Molecular consequence: missense variant.
Genome position (GRCh38, 1-based): chr2:189,045,211, G>A on the plus strand (C>T on the coding strand, the complement: COL5A2 is on the minus strand). VCF-style: chr2-189045211-G-A. GRCh37 (hg19) VCF-style: chr2-189909937-G-A.
Other names: short protein forms P1111S.
Identifiers: ClinVar variation 958200 (VCV000958200.13), dbSNP rs1685640502, ClinGen allele CA349862245.

ClinVar aggregate classification (germline): Uncertain significance. Review status: criteria provided, multiple submitters, no conflicts (2 of 4 stars). 2 submissions from 2 submitters: Uncertain significance (2). Last evaluated 2019-11-08.

Conditions:
Ehlers-Danlos syndrome, classic type, 1 (EDSCL1). Also called: Ehlers-Danlos syndrome, type 1; EHLERS-DANLOS SYNDROME, GRAVIS TYPE; EHLERS-DANLOS SYNDROME, SEVERE CLASSIC TYPE; EDS I; Ehlers-Danlos Syndrome, Classic Type, COL5A1-Related. Identifiers: MedGen C0268335, MONDO:0019567, OMIM 130000.

Allele frequency attached by ClinVar (database versions not stated): gnomAD exomes below 0.00001.
gnomAD v4.1: 3 of 1,607,576 alleles (0.00019%); highest among the groups gnomAD compares: Non-Finnish European, 0.00025%; no homozygotes.

Submissions (2):

Labcorp Genetics (formerly Invitae), Labcorp
Classification: Uncertain significance for Ehlers-Danlos syndrome, classic type, 1. Last evaluated: 2019-11-08. Review status: criteria provided, single submitter. Criteria: Invitae Variant Classification Sherloc (09022015). Collection method: clinical testing. Allele origin: germline.
Comment: This sequence change replaces proline with serine at codon 1111 of the COL5A2 protein (p.Pro1111Ser). The proline residue is highly conserved and there is a moderate physicochemical difference between proline and serine. This variant is not present in population databases (ExAC no frequency). This variant has not been reported in the literature in individuals with COL5A2-related conditions. In summary, the available evidence is currently insufficient to determine the role of this variant in disease. Therefore, it has been classified as a Variant of Uncertain Significance.

GeneDx
Classification: Uncertain significance. Last evaluated: 2019-09-10. Review status: criteria provided, single submitter. Criteria: GeneDx Variant Classification Process June 2021. Collection method: clinical testing. Allele origin: germline. Affected: yes.
Comment: Has not been previously published as pathogenic or benign to our knowledge; Not observed in large population cohorts (Lek et al., 2016); In silico analysis, which includes protein predictors and evolutionary conservation, supports a deleterious effect